The following is an entry in ClinVar:

NM_001129820.2(SLFN14):c.1356G>T (p.Gln452His)

Genes: SLFN14 (schlafen family member 14; minus strand), LOC107985033 (uncharacterized LOC107985033; plus strand). Cytogenetic location: 17q12.
Variant type: single nucleotide variant.
Coding change: c.1356G>T on transcript NM_001129820.2 (MANE Select); coding-DNA position 1356, G replaced by T.
Protein change: p.Gln452His; replaces glutamine 452 with histidine.
Molecular consequence: missense variant. On other transcripts: non-coding transcript variant (2).
Genome position (GRCh38, 1-based): chr17:35,553,278, C>A on the plus strand (G>T on the coding strand, the complement: SLFN14 is on the minus strand). VCF-style: chr17-35553278-C-A. GRCh37 (hg19) VCF-style: chr17-33880297-C-A.
Other names: short protein forms Q452H.
Identifiers: ClinVar variation 1275748 (VCV001275748.1), dbSNP rs572233110, ClinGen allele CA399128007.

ClinVar aggregate classification (germline): Uncertain significance (1 of 4 stars; one submission).

Conditions:
Platelet-type bleeding disorder 20 (BDPLT20). Identifiers: Orphanet 466806, MedGen C4310797, MONDO:0014830, OMIM 616913.

Allele frequency attached by ClinVar (database versions not stated): TOPMed below 0.00001; gnomAD 0.00001.
gnomAD v4.1: 2 of 1,551,568 alleles (0.00013%); highest among the groups gnomAD compares: African/African-American, 0.0027%; no homozygotes.

Submission:

Johns Hopkins Genomics, Johns Hopkins University
Classification: Uncertain significance for Platelet-type bleeding disorder 20. Last evaluated: 2021-08-16. Review status: criteria provided, single submitter. Criteria: ACMG Guidelines, 2015. Collection method: clinical testing. Allele origin: germline.
Comment: This SLFN14 variant (rs572233110) is rare (<0.1%) in a large population dataset (gnomAD: 1/153958 total alleles; 0.0006%; no homozygotes) and has not been reported in ClinVar nor the literature, to our knowledge. Of three bioinformatic tools queried, two predict that this substitution would be damaging, while one predicts that it would be tolerated. The glutamine residue at this position is not highly evolutionarily conserved across the species assessed. We consider the clinical significance of SLFN14 c.1356G>T to be uncertain at this time.